The following is an entry in ClinVar:

NM_001958.5(EEF1A2):c.152A>G (p.Lys51Arg)

Gene: EEF1A2 (eukaryotic translation elongation factor 1 alpha 2; minus strand). Cytogenetic location: 20q13.33.
Variant type: single nucleotide variant.
Coding change: c.152A>G on transcript NM_001958.5 (MANE Select); coding-DNA position 152, A replaced by G.
Protein change: p.Lys51Arg; replaces lysine 51 with arginine.
Molecular consequence: missense variant.
Genome position (GRCh38, 1-based): chr20:63,496,028, T>C on the plus strand (A>G on the coding strand, the complement: EEF1A2 is on the minus strand). VCF-style: chr20-63496028-T-C. GRCh37 (hg19) VCF-style: chr20-62127381-T-C.
Other names: short protein forms K51R.
Identifiers: ClinVar variation 1182986 (VCV001182986.2), dbSNP rs2145945562, ClinGen allele CA409651639.

ClinVar aggregate classification (germline): Uncertain significance (1 of 4 stars; one submission).

Submission:

GeneDx
Classification: Uncertain significance. Last evaluated: 2019-09-19. Review status: criteria provided, single submitter. Criteria: GeneDx Variant Classification Process June 2021. Collection method: clinical testing. Allele origin: germline. Affected: yes.
Comment: Not observed in large population cohorts (Lek et al., 2016); In silico analysis, which includes protein predictors and evolutionary conservation, supports that this variant does not alter protein structure/function; Has not been previously published as pathogenic or benign to our knowledge